The following is an entry in ClinVar:

ClinVar aggregate classification (germline): Pathogenic. Review status: criteria provided, multiple submitters, no conflicts (2 of 4 stars). 3 submissions from 3 submitters: Pathogenic (2). 1 of the submissions does not count toward it. Last evaluated 2021-12-10.

Conditions:
Polycystic kidney disease, adult type (PKD1). Also called: Polycystic Kidney Disease 1, Autosomal Dominant; Polycystic kidney disease 1; Polycystic kidney disease 1, severe; POLYCYSTIC KIDNEY DISEASE 1 WITH OR WITHOUT POLYCYSTIC LIVER DISEASE; POLYCYSTIC KIDNEY DISEASE, ADULT, TYPE I; Polycystic Kidney, Autosomal Dominant. Identifiers: MedGen C3149841, MONDO:0008263, OMIM 173900.

Submissions (3):

Fulgent Genetics
Classification: Pathogenic for Polycystic kidney disease, adult type. Last evaluated: 2021-12-10. Review status: criteria provided, single submitter. Criteria: ACMG Guidelines, 2015. Collection method: clinical testing. Allele origin: unknown.

Athena Diagnostics
Classification: Pathogenic. Last evaluated: 2020-09-18. Review status: criteria provided, single submitter. Criteria: Athena Diagnostics criteria. Collection method: clinical testing. Allele origin: unknown.
Comment: This variant is expected to result in the loss of a functional protein. This variant has not been reported in large, multi-ethnic general populations. This variant has been identified in at least one individual with clinical features associated with this gene.

Bioscientia Institut fuer Medizinische Diagnostik GmbH, Sonic Healthcare
Classification: Pathogenic for Polycystic kidney disease, adult type. Last evaluated: 2018-03-12. Review status: no assertion criteria provided. Collection method: clinical testing. Allele origin: germline. Affected: yes. Not counted in ClinVar's aggregate classification.

NM_001009944.3(PKD1):c.8873C>A (p.Ser2958Ter)

Gene: PKD1 (polycystin 1, transient receptor potential channel interacting; minus strand). Cytogenetic location: 16p13.3.
Variant type: single nucleotide variant.
Coding change: c.8873C>A on transcript NM_001009944.3 (MANE Select); coding-DNA position 8873, C replaced by A.
Protein change: p.Ser2958Ter; replaces serine 2958 with a stop codon.
Molecular consequence: nonsense.
Genome position (GRCh38, 1-based): chr16:2,102,889, G>T on the plus strand (C>A on the coding strand, the complement: PKD1 is on the minus strand). VCF-style: chr16-2102889-G-T. GRCh37 (hg19) VCF-style: chr16-2152890-G-T.
Other names: c.8873C>A, p.Ser2958Ter (NM_000296.4); short protein forms S2958*.
Identifiers: ClinVar variation 599089 (VCV000599089.4), dbSNP rs750780241, ClinGen allele CA394361645.
Genomic context (GRCh38, chr16:2,102,889, plus strand): 5'-AAGGTGTAGGGCCGGTGGTCAGCACCCTGGAGTGACTCTGGGCGGATCCTCCTGCTAGCC[G>T]AGCAGTTGTGCTCATTGGGCCGGGGCTCCGAGTGTAGGTAGACTGCCAGGTAGGGCTCAG-3'